The following is an entry in ClinVar:

NM_007294.4(BRCA1):c.1064A>G (p.Lys355Arg)

Gene: BRCA1 (BRCA1 DNA repair associated; minus strand). Cytogenetic location: 17q21.31.
Variant type: single nucleotide variant.
Coding change: c.1064A>G on transcript NM_007294.4 (MANE Select); coding-DNA position 1064, A replaced by G.
Protein change: p.Lys355Arg; replaces lysine 355 with arginine.
Molecular consequence: missense variant. On other transcripts: intron variant (137).
Genome position (GRCh38, 1-based): chr17:43,094,467, T>C on the plus strand (A>G on the coding strand, the complement: BRCA1 is on the minus strand). VCF-style: chr17-43094467-T-C. GRCh37 (hg19) VCF-style: chr17-41246484-T-C.
Other names: c.854A>G, p.Lys285Arg (NM_001407882.1, NM_001407884.1, NM_001407885.1 and 13 more transcripts); c.851A>G, p.Lys284Arg (NM_001407894.1, NM_001407895.1, NM_001407896.1 and 9 more transcripts); c.941A>G, p.Lys314Arg (NM_001407919.1, NM_001407937.1, NM_001407938.1 and 19 more transcripts); c.800A>G, p.Lys267Arg (NM_001407920.1, NM_001407921.1, NM_001407922.1 and 9 more transcripts); c.797A>G, p.Lys266Arg (NM_001407930.1, NM_001407931.1, NM_001407932.1 and 2 more transcripts); c.938A>G, p.Lys313Arg (NM_001407940.1, NM_001407941.1, NM_001407649.1 and 11 more transcripts); c.923A>G, p.Lys308Arg (NM_001407942.1, NM_001407944.1, NM_001407945.1 and 29 more transcripts); c.920A>G, p.Lys307Arg (NM_001407943.1, NM_001407964.1, NM_001407740.1 and 20 more transcripts); and 40 more; short protein forms K355R, K308R, K228R, K266R, K267R, K285R, K287R, K314R.
Identifiers: ClinVar variation 54112 (VCV000054112.5), dbSNP rs80357246, ClinGen allele CA000708.
Genomic context (GRCh38, chr17:43,094,467, plus strand): 5'-AGTGTTATCCAAGGAACATCTTCAGTATCTCTAGGATTCTCTGAGCATGGCAGTTTCTGC[T>C]TATTCCATTCTTTTCTCTCACACAGGGGATCAGCATTCAGATCTACCTTTTTTTCTGTGC-3'
Protein context (NP_009225.1, residues 345-365): DPLCERKEWN[Lys355Arg]QKLPCSENPR

ClinVar aggregate classification (germline): Likely benign. Review status: criteria provided, single submitter (1 of 4 stars). 2 submissions from 2 submitters: Likely benign (1). 1 of the submissions does not count toward it. Last evaluated 2023-03-23.

Conditions:
Hereditary cancer-predisposing syndrome. Also called: Tumor predisposition; Neoplastic Syndromes, Hereditary; Hereditary Cancer Syndrome; Hereditary neoplastic syndrome. Identifiers: Orphanet 140162, MedGen C0027672, MeSH D009386, MONDO:0015356.
Breast-ovarian cancer, familial, susceptibility to, 1 (BROVCA1). Also called: OVARIAN CANCER, SUSCEPTIBILITY TO; BRCA1 Hereditary Breast and Ovarian Cancer. Identifiers: Orphanet 145, MedGen C2676676, MONDO:0011450, OMIM 604370. Disease mechanism: loss of function.

Submissions (2):

University of Washington Department of Laboratory Medicine, University of Washington
Classification: Likely benign for Hereditary cancer-predisposing syndrome. Last evaluated: 2023-03-23. Review status: criteria provided, single submitter. Criteria: Dines et al. (Genet Med. 2020). Collection method: curation. Allele origin: germline.
Comment: Missense variant in a coldspot region where missense variants are very unlikely to be pathogenic (PMID:31911673).

BRCA1 coldspot (exon 11 using historical exon numbering). Reclassification based on statistical prior probability

Breast Cancer Information Core (BIC) (BRCA1)
Classification: Uncertain significance for Breast-ovarian cancer, familial 1. Last evaluated: 1998-03-25. Review status: no assertion criteria provided. Collection method: clinical testing. Allele origin: germline. Affected: yes. Observed: 1 variant allele. Not counted in ClinVar's aggregate classification.